The following is an entry in ClinVar:

ClinVar aggregate classification (germline): Likely benign (1 of 4 stars; one submission).

Conditions:
LAMA1-related disorder. Also called: LAMA1-related condition; LAMA1-related disorders.

Submission:

PreventionGenetics, part of Exact Sciences
Classification: Likely benign for LAMA1-related condition. Last evaluated: 2026-04-24. Review status: criteria provided, single submitter. Criteria: ACMG Guidelines, 2015. Collection method: clinical testing. Allele origin: germline.
Comment: This variant is classified as likely benign based on ACMG/AMP sequence variant interpretation guidelines (Richards et al. 2015 PMID: 25741868, with internal and published modifications).

NM_005559.4(LAMA1):c.258A>T (p.Ile86=)

Gene: LAMA1 (laminin subunit alpha 1; minus strand). Cytogenetic location: 18p11.31.
Variant type: single nucleotide variant.
Coding change: c.258A>T on transcript NM_005559.4 (MANE Select); coding-DNA position 258, A replaced by T.
Protein change: p.Ile86=; no amino-acid change (isoleucine 86 retained).
Molecular consequence: synonymous variant.
Genome position (GRCh38, 1-based): chr18:7,080,062, T>A on the plus strand (A>T on the coding strand, the complement: LAMA1 is on the minus strand). VCF-style: chr18-7080062-T-A. GRCh37 (hg19) VCF-style: chr18-7080061-T-A.
Identifiers: ClinVar variation 4996056 (VCV004996056.1).